The following is an entry in ClinVar:

NM_198859.4(PRICKLE2):c.2207T>G (p.Met736Arg)

Genes: PRICKLE2-AS1 (PRICKLE2 antisense RNA 1; plus strand), PRICKLE2 (prickle planar cell polarity protein 2; minus strand). Cytogenetic location: 3p14.1.
Variant type: single nucleotide variant.
Coding change: c.2207T>G on transcript NM_198859.4 (MANE Select); coding-DNA position 2207, T replaced by G.
Protein change: p.Met736Arg; replaces methionine 736 with arginine.
Molecular consequence: missense variant. On other transcripts: non-coding transcript variant (1).
Genome position (GRCh38, 1-based): chr3:64,099,379, A>C on the plus strand (T>G on the coding strand, the complement: PRICKLE2 is on the minus strand). VCF-style: chr3-64099379-A-C. GRCh37 (hg19) VCF-style: chr3-64085055-A-C.
Other names: c.2207T>G, p.Met736Arg (NM_001370528.1); short protein forms M736R.
Identifiers: ClinVar variation 935247 (VCV000935247.9), dbSNP rs758228643, ClinGen allele CA2479477.

ClinVar aggregate classification (germline): Uncertain significance. Review status: criteria provided, multiple submitters, no conflicts (2 of 4 stars). 2 submissions from 2 submitters: Uncertain significance (2). Last evaluated 2025-11-26.

Conditions:
Progressive myoclonic epilepsy type 5. Identifiers: Orphanet 402082, MedGen C5190799.

Allele frequency attached by ClinVar (database versions not stated): TOPMed 0.00001; ExAC 0.00002; gnomAD exomes 0.00002 and 0.00004; gnomAD 0.00003.
gnomAD v4.1: 62 of 1,609,000 alleles (0.0039%); highest among the groups gnomAD compares: Non-Finnish European, 0.0051%; no homozygotes.

Submissions (2):

Ambry Genetics
Classification: Uncertain significance. Last evaluated: 2025-11-26. Review status: criteria provided, single submitter. Criteria: Ambry Variant Classification Scheme 2023. Collection method: clinical testing. Allele origin: germline.

Labcorp Genetics (formerly Invitae), Labcorp
Classification: Uncertain significance for Progressive myoclonic epilepsy type 5. Last evaluated: 2024-08-28. Review status: criteria provided, single submitter. Criteria: Invitae Variant Classification Sherloc (09022015). Collection method: clinical testing. Allele origin: germline.
Comment: This sequence change replaces methionine, which is neutral and non-polar, with arginine, which is basic and polar, at codon 736 of the PRICKLE2 protein (p.Met736Arg). This variant is present in population databases (rs758228643, gnomAD 0.005%). This variant has not been reported in the literature in individuals affected with PRICKLE2-related conditions. ClinVar contains an entry for this variant (Variation ID: 935247). Invitae Evidence Modeling of protein sequence and biophysical properties (such as structural, functional, and spatial information, amino acid conservation, physicochemical variation, residue mobility, and thermodynamic stability) indicates that this missense variant is not expected to disrupt PRICKLE2 protein function with a negative predictive value of 80%. In summary, the available evidence is currently insufficient to determine the role of this variant in disease. Therefore, it has been classified as a Variant of Uncertain Significance.